The following is an entry in ClinVar:

ClinVar aggregate classification (germline): Likely benign (0 of 4 stars; one submission).

Conditions:
LMAN2L-related disorder. Also called: LMAN2L-related condition.

Allele frequency attached by ClinVar (database versions not stated): ExAC 0.00006; gnomAD exomes 0.00011; gnomAD 0.00012; TOPMed 0.00012.
gnomAD v4.1: 172 of 1,526,724 alleles (0.011%); highest among the groups gnomAD compares: Middle Eastern, 0.034%; no homozygotes.

Submission:

PreventionGenetics, part of Exact Sciences
Classification: Likely benign for LMAN2L-related condition. Last evaluated: 2019-07-15. Review status: no assertion criteria provided. Collection method: clinical testing. Allele origin: germline.
Comment: This variant is classified as likely benign based on ACMG/AMP sequence variant interpretation guidelines (Richards et al. 2015 PMID: 25741868, with internal and published modifications).

NM_030805.4(LMAN2L):c.307-10C>T

Gene: LMAN2L (lectin, mannose binding 2 like; minus strand). Cytogenetic location: 2q11.2.
Variant type: single nucleotide variant.
Coding change: c.307-10C>T on transcript NM_030805.4 (MANE Select); 10 bases into the intron before coding-DNA position 307, C replaced by T.
Molecular consequence: intron variant.
Genome position (GRCh38, 1-based): chr2:96,734,536, G>A on the plus strand (C>T on the coding strand, the complement: LMAN2L is on the minus strand). VCF-style: chr2-96734536-G-A. GRCh37 (hg19) VCF-style: chr2-97400273-G-A.
Other names: c.-46-10C>T (NM_001322351.2, NM_001322356.2, NM_001322346.2 and 2 more transcripts); c.-108-10C>T (NM_001322350.2, NM_001322347.2, NM_001322352.2); c.307-10C>T (NM_001142292.2).
Identifiers: ClinVar variation 3049971 (VCV003049971.2), dbSNP rs747652435, ClinGen allele CA1783039.